The following is an entry in ClinVar:

ClinVar aggregate classification (germline): Likely benign (0 of 4 stars; one submission).

Conditions:
SP8-related disorder. Also called: SP8-related condition.

Allele frequency attached by ClinVar (database versions not stated): gnomAD 0.00004.

Submission:

PreventionGenetics, part of Exact Sciences
Classification: Likely benign for SP8-related condition. Last evaluated: 2023-12-14. Review status: no assertion criteria provided. Collection method: clinical testing. Allele origin: germline.
Comment: This variant is classified as likely benign based on ACMG/AMP sequence variant interpretation guidelines (Richards et al. 2015 PMID: 25741868, with internal and published modifications).

NM_182700.6(SP8):c.393A>C (p.Ala131=)

Gene: SP8 (Sp8 transcription factor; minus strand). Cytogenetic location: 7p21.1.
Variant type: single nucleotide variant.
Coding change: c.393A>C on transcript NM_182700.6 (MANE Select); coding-DNA position 393, A replaced by C.
Protein change: p.Ala131=; no amino-acid change (alanine 131 retained).
Molecular consequence: synonymous variant.
Genome position (GRCh38, 1-based): chr7:20,785,424, T>G on the plus strand (A>C on the coding strand, the complement: SP8 is on the minus strand). VCF-style: chr7-20785424-T-G. GRCh37 (hg19) VCF-style: chr7-20825043-T-G.
Other names: c.339A>C, p.Ala113= (NM_198956.4).
Identifiers: ClinVar variation 3041967 (VCV003041967.2), dbSNP rs866266670, ClinGen allele CA155011416.